The following is an entry in ClinVar:

NM_004714.3(DYRK1B):c.1442G>A (p.Arg481Gln)

Gene: DYRK1B (dual specificity tyrosine phosphorylation regulated kinase 1B; minus strand). Cytogenetic location: 19q13.2.
Variant type: single nucleotide variant.
Coding change: c.1442G>A on transcript NM_004714.3 (MANE Select); coding-DNA position 1442, G replaced by A.
Protein change: p.Arg481Gln; replaces arginine 481 with glutamine.
Molecular consequence: missense variant.
Genome position (GRCh38, 1-based): chr19:39,826,256, C>T on the plus strand (G>A on the coding strand, the complement: DYRK1B is on the minus strand). VCF-style: chr19-39826256-C-T. GRCh37 (hg19) VCF-style: chr19-40316896-C-T.
Other names: c.1322G>A, p.Arg441Gln (NM_006483.3); c.1358G>A, p.Arg453Gln (NM_006484.3); short protein forms R441Q, R453Q, R481Q.
Identifiers: ClinVar variation 3345622 (VCV003345622.1).

ClinVar aggregate classification (germline): Uncertain significance (0 of 4 stars; one submission).

Conditions:
DYRK1B-related disorder. Also called: DYRK1B-related condition.

gnomAD v4.1: 111 of 1,594,180 alleles (0.007%); highest among the groups gnomAD compares: Non-Finnish European, 0.0088%; no homozygotes.

Submission:

PreventionGenetics, part of Exact Sciences
Classification: Uncertain significance for DYRK1B-related condition. Last evaluated: 2024-08-26. Review status: no assertion criteria provided. Collection method: clinical testing. Allele origin: germline.
Comment: The DYRK1B c.1442G>A variant is predicted to result in the amino acid substitution p.Arg481Gln. To our knowledge, this variant has not been reported in the literature. This variant is reported in 0.0074% of alleles in individuals of European (Non-Finnish) descent in gnomAD. Of note, a different variant impacting the same amino acid residue (p.Arg481Trp) has been reported in a cohort of patients with dyslipidemias (Supp Table 3 and Supp Table 4, Dron et al. 2020. PubMed ID: 32041611). At this time, the clinical significance of the c.1442G>A (p.Arg481Gln) variant is uncertain due to the absence of conclusive functional and genetic evidence.